The following is an entry in ClinVar:

ClinVar aggregate classification (germline): Conflicting classifications of pathogenicity. Review status: criteria provided, conflicting classifications (1 of 4 stars). 2 submissions from 2 submitters: Uncertain significance (1); Likely benign (1). Last evaluated 2026-01-16.

Conditions:
Hereditary cancer-predisposing syndrome. Also called: Neoplastic Syndromes, Hereditary; Tumor predisposition; Hereditary Cancer Syndrome; Hereditary neoplastic syndrome. Identifiers: Orphanet 140162, MedGen C0027672, MeSH D009386, MONDO:0015356.
Gastrointestinal stromal tumor. Also called: Gastrointestinal stromal tumor, somatic; Gastrointestinal stroma tumor. Identifiers: Orphanet 44890, MedGen C0238198, MeSH D046152, MONDO:0011719, OMIM 606764, HP:0100723.

Submissions (2):

Labcorp Genetics (formerly Invitae), Labcorp
Classification: Uncertain significance for Gastrointestinal stromal tumor. Last evaluated: 2026-01-16. Review status: criteria provided, single submitter. Criteria: Invitae Variant Classification Sherloc (09022015). Collection method: clinical testing. Allele origin: germline.
Comment: This sequence change affects codon 626 of the KIT mRNA. It is a 'silent' change, meaning that it does not change the encoded amino acid sequence of the KIT protein. It affects a nucleotide within the consensus splice site. This variant is not present in population databases (gnomAD no frequency). This variant has not been reported in the literature in individuals affected with KIT-related conditions. ClinVar contains an entry for this variant (Variation ID: 1781824). Algorithms developed to predict the effect of sequence changes on RNA splicing suggest that this variant is not likely to affect RNA splicing. In summary, the available evidence is currently insufficient to determine the role of this variant in disease. Therefore, it has been classified as a Variant of Uncertain Significance.

Ambry Genetics
Classification: Likely benign for Hereditary cancer-predisposing syndrome. Last evaluated: 2022-05-19. Review status: criteria provided, single submitter. Criteria: Ambry Variant Classification Scheme 2023. Collection method: clinical testing. Allele origin: germline.

NM_000222.3(KIT):c.1878G>A (p.Lys626=)

Gene: KIT (KIT proto-oncogene, receptor tyrosine kinase; plus strand). Cytogenetic location: 4q12.
Variant type: single nucleotide variant.
Coding change: c.1878G>A on transcript NM_000222.3 (MANE Select); coding-DNA position 1878, G replaced by A.
Protein change: p.Lys626=; no amino-acid change (lysine 626 retained).
Molecular consequence: synonymous variant.
Genome position (GRCh38, 1-based): chr4:54,727,926, G>A. VCF-style: chr4-54727926-G-A. GRCh37 (hg19) VCF-style: chr4-55594092-G-A.
Other names: c.1866G>A, p.Lys622= (NM_001093772.2, NM_001385286.1); c.1881G>A, p.Lys627= (NM_001385284.1, NM_001385290.1); c.1878G>A, p.Lys626= (NM_001385285.1); c.1869G>A, p.Lys623= (NM_001385288.1, NM_001385292.1).
Identifiers: ClinVar variation 1781824 (VCV001781824.3), dbSNP rs2109780360, ClinGen allele CA439291411.
Genomic context (GRCh38, chr4:54,727,926, plus strand): 5'-AACTGCTTATGGCTTAATTAAGTCAGATGCGGCCATGACTGTCGCTGTAAAGATGCTCAA[G>A]CGTAAGTTCCTGTATGGTACTGCATGCGCTTGACATCAGTTTGCCAGTTGTGCTTTTTGC-3'
Protein context (NP_000213.1, residues 616-636): AAMTVAVKML[Lys626=]PSAHLTEREA